The following is an entry in ClinVar:

NM_019066.5(MAGEL2):c.1418G>C (p.Arg473Pro)

Gene: MAGEL2 (MAGE family member L2; minus strand). Cytogenetic location: 15q11.2.
Variant type: single nucleotide variant.
Coding change: c.1418G>C on transcript NM_019066.5 (MANE Select); coding-DNA position 1418, G replaced by C.
Protein change: p.Arg473Pro; replaces arginine 473 with proline.
Molecular consequence: missense variant.
Genome position (GRCh38, 1-based): chr15:23,646,325, C>G on the plus strand (G>C on the coding strand, the complement: MAGEL2 is on the minus strand). VCF-style: chr15-23646325-C-G. GRCh37 (hg19) VCF-style: chr15-23891472-C-G.
Other names: short protein forms R473P.
Identifiers: ClinVar variation 2662608 (VCV002662608.2), dbSNP rs770170386, ClinGen allele CA391334084.
Genomic context (GRCh38, chr15:23,646,325, plus strand): 5'-ATCAGCGGCGGGGCCTGGCGGATCACAGGTGGAGCCTGGCGGATCACAGGTGGGGCCTGG[C>G]GGATCACAGGTGGGGCCTGGCGGATCACAGCGGGGGCCTGGCGGATCACGGGTGGGGCCT-3'
Protein context (NP_061939.3, residues 463-483): AVIRQAPPVI[Arg473Pro]QAPPVIRQAP

ClinVar aggregate classification (germline): Uncertain significance (1 of 4 stars; one submission).

Submission:

GeneDx
Classification: Uncertain significance. Last evaluated: 2025-04-22. Review status: criteria provided, single submitter. Criteria: GeneDx Variant Classification Process June 2021. Collection method: clinical testing. Allele origin: germline.
Comment: Not observed at significant frequency in large population cohorts (gnomAD); Has not been previously published as pathogenic or benign to our knowledge; In-silico analysis is inconclusive as to whether the variant impacts protein structure/function. In the absence of functional studies, the actual effect of this sequence change is unknown